The following is an entry in ClinVar:

ClinVar aggregate classification (germline): Uncertain significance (1 of 4 stars; one submission).

Submission:

Women's Health and Genetics/Laboratory Corporation of America, LabCorp
Classification: Uncertain significance. Last evaluated: 2022-10-11. Review status: criteria provided, single submitter. Criteria: LabCorp Variant Classification Summary - May 2015. Collection method: clinical testing. Allele origin: germline.
Comment: Variant summary: IQSEC2 c.2404A>G (p.Met802Val) results in a conservative amino acid change located in the Sec7 domain (IPR000904) of the encoded protein sequence. Three of five in-silico tools predict a benign effect of the variant on protein function. The variant was absent in 183436 control chromosomes (gnomAD). The available data on variant occurrences in the general population are insufficient to allow any conclusion about variant significance. To our knowledge, no occurrence of c.2404A>G in individuals affected with X-Linked Intellectual Disability and no experimental evidence demonstrating its impact on protein function have been reported. No clinical diagnostic laboratories have submitted clinical-significance assessments for this variant to ClinVar after 2014. Based on the evidence outlined above, the variant was classified as uncertain significance.

NM_001111125.3(IQSEC2):c.2404A>G (p.Met802Val)

Gene: IQSEC2 (IQ motif and Sec7 domain ArfGEF 2; minus strand). Cytogenetic location: Xp11.22.
Variant type: single nucleotide variant.
Coding change: c.2404A>G on transcript NM_001111125.3 (MANE Select); coding-DNA position 2404, A replaced by G.
Protein change: p.Met802Val; replaces methionine 802 with valine.
Molecular consequence: missense variant.
Genome position (GRCh38, 1-based): chrX:53,248,776, T>C on the plus strand (A>G on the coding strand, the complement: IQSEC2 is on the minus strand). VCF-style: chrX-53248776-T-C. GRCh37 (hg19) VCF-style: chrX-53277958-T-C.
Other names: c.2404A>G, p.Met802Val (NM_001410736.1); c.1789A>G, p.Met597Val (NM_015075.2); short protein forms M597V, M802V.
Identifiers: ClinVar variation 1723282 (VCV001723282.1), dbSNP rs2519786602, ClinGen allele CA413158058.